The following is an entry in ClinVar:

NM_000548.5(TSC2):c.238G>A (p.Ala80Thr)

Gene: TSC2 (TSC complex subunit 2; plus strand). Cytogenetic location: 16p13.3.
Variant type: single nucleotide variant.
Coding change: c.238G>A on transcript NM_000548.5 (MANE Select); coding-DNA position 238, G replaced by A.
Protein change: p.Ala80Thr; replaces alanine 80 with threonine.
Molecular consequence: missense variant. On other transcripts: intron variant (2).
Genome position (GRCh38, 1-based): chr16:2,053,354, G>A. VCF-style: chr16-2053354-G-A. GRCh37 (hg19) VCF-style: chr16-2103355-G-A.
Other names: c.238G>A, p.Ala80Thr (NM_001077183.3, NM_001114382.3, NM_001363528.2 and 3 more transcripts); c.91G>A, p.Ala31Thr (NM_001318829.2); c.271G>A, p.Ala91Thr (NM_001318832.2); c.226-942G>A (NM_001318827.2); c.-1-2842G>A (NM_001318831.2); short protein forms A91T, A31T, A80T.
Identifiers: ClinVar variation 942914 (VCV000942914.15), dbSNP rs2085359793, ClinGen allele CA394305468.

ClinVar aggregate classification (germline): Uncertain significance. Review status: criteria provided, multiple submitters, no conflicts (2 of 4 stars). 4 submissions from 4 submitters: Uncertain significance (4). Last evaluated 2025-12-13.

Conditions:
Isolated focal cortical dysplasia type II (FCORD2). Also called: Focal cortical dysplasia type II; CORTICAL DYSPLASIA OF TAYLOR. Identifiers: Orphanet 268994, MedGen C1846385, MONDO:0011818, OMIM 607341, HP:0032051.
Tuberous sclerosis 2 (TSC2). Identifiers: Orphanet 805, MedGen C1860707, MONDO:0013199, OMIM 613254.
Lymphangiomyomatosis (LAM). Also called: Lymphangioleiomyomatosis, somatic; Lymphangioleiomyomatosis. Identifiers: Orphanet 538, MedGen C0751674, MONDO:0011705, OMIM 606690.
Hereditary cancer-predisposing syndrome. Also called: Neoplastic Syndromes, Hereditary; Hereditary neoplastic syndrome; Hereditary Cancer Syndrome; Tumor predisposition. Identifiers: Orphanet 140162, MedGen C0027672, MeSH D009386, MONDO:0015356.
Tuberous sclerosis syndrome (TSC). Also called: Tuberous Sclerosis Complex; Tuberous sclerosis. Identifiers: Orphanet 805, MedGen C0041341, MONDO:0001734.

Allele frequency attached by ClinVar (database versions not stated): gnomAD exomes below 0.00001.

Submissions (4):

Labcorp Genetics (formerly Invitae), Labcorp
Classification: Uncertain significance for Tuberous sclerosis 2. Last evaluated: 2025-12-13. Review status: criteria provided, single submitter. Criteria: Invitae Variant Classification Sherloc (09022015). Collection method: clinical testing. Allele origin: germline.
Comment: This sequence change replaces alanine, which is neutral and non-polar, with threonine, which is neutral and polar, at codon 80 of the TSC2 protein (p.Ala80Thr). This variant is not present in population databases (gnomAD no frequency). This variant has not been reported in the literature in individuals affected with TSC2-related conditions. ClinVar contains an entry for this variant (Variation ID: 942914). Invitae Evidence Modeling of protein sequence and biophysical properties (such as structural, functional, and spatial information, amino acid conservation, physicochemical variation, residue mobility, and thermodynamic stability) indicates that this missense variant is not expected to disrupt TSC2 protein function with a negative predictive value of 95%. In summary, the available evidence is currently insufficient to determine the role of this variant in disease. Therefore, it has been classified as a Variant of Uncertain Significance.

Ambry Genetics
Classification: Uncertain significance for Hereditary cancer-predisposing syndrome. Last evaluated: 2024-09-10. Review status: criteria provided, single submitter. Criteria: Ambry Variant Classification Scheme 2023. Collection method: clinical testing. Allele origin: germline.
Comment: The p.A80T variant (also known as c.238G>A), located in coding exon 3 of the TSC2 gene, results from a G to A substitution at nucleotide position 238. The alanine at codon 80 is replaced by threonine, an amino acid with similar properties. This amino acid position is highly conserved in available vertebrate species. In addition, the in silico prediction for this alteration is inconclusive. Since supporting evidence is limited at this time, the clinical significance of this alteration remains unclear.

Fulgent Genetics
Classification: Uncertain significance for Lymphangiomyomatosis; Isolated focal cortical dysplasia type II; Tuberous sclerosis 2. Last evaluated: 2024-03-28. Review status: criteria provided, single submitter. Criteria: ACMG Guidelines, 2015. Collection method: clinical testing. Allele origin: germline.

All of Us Research Program, National Institutes of Health
Classification: Uncertain significance for Tuberous sclerosis syndrome. Last evaluated: 2023-12-18. Review status: criteria provided, single submitter. Criteria: ACMG Guidelines, 2015. Collection method: clinical testing. Allele origin: germline. Inheritance: Autosomal dominant inheritance. Observed: 3 variant alleles, 3 heterozygotes.
Comment: This missense variant replaces alanine with threonine at codon 80 of the TSC2 protein. Computational prediction suggests that this variant may not impact protein structure and function (internally defined REVEL score threshold <= 0.5, PMID: 27666373). To our knowledge, functional studies have not been reported for this variant. This variant has not been reported in individuals affected with tuberous sclerosis complex in the literature. This variant has not been identified in the general population by the Genome Aggregation Database (gnomAD). The available evidence is insufficient to determine the role of this variant in disease conclusively. Therefore, this variant is classified as a Variant of Uncertain Significance.

This study involves interpretation of variants in research participants for the purpose of population health screening. Participant phenotype was not available at the time of variant classification. Additional details can be found in publication PMID: 35346344, PMCID: PMC8962531